The following is an entry in ClinVar:

NM_000091.5(COL4A3):c.2065G>A (p.Gly689Arg)

Genes: MFF-DT (MFF divergent transcript; minus strand), COL4A3 (collagen type IV alpha 3 chain; plus strand). Cytogenetic location: 2q36.3.
Variant type: single nucleotide variant.
Coding change: c.2065G>A on transcript NM_000091.5 (MANE Select); coding-DNA position 2065, G replaced by A.
Protein change: p.Gly689Arg; replaces glycine 689 with arginine.
Molecular consequence: missense variant.
Genome position (GRCh38, 1-based): chr2:227,277,493, G>A. VCF-style: chr2-227277493-G-A. GRCh37 (hg19) VCF-style: chr2-228142209-G-A.
Other names: p.(Gly689Arg); short protein forms G689R.
Identifiers: ClinVar variation 550056 (VCV000550056.9), dbSNP rs1553758919, ClinGen allele CA350846829.

ClinVar aggregate classification (germline): Likely pathogenic. Review status: criteria provided, multiple submitters, no conflicts (2 of 4 stars). 3 submissions from 3 submitters: Likely pathogenic (2). 1 of the submissions does not count toward it. Last evaluated 2026-02-26.

Conditions:
Hematuria, benign familial, 2 (BFH2). Identifiers: MedGen C5830421, MONDO:0958186, OMIM 620320.
Autosomal recessive Alport syndrome (ATS2). Also called: ALPORT SYNDROME 2, AUTOSOMAL RECESSIVE; COL4A4 Alport Syndrome and Thin Basement Membrane Nephropathy; COL4A3-Related Nephropathy; Alport syndrome type 2. Identifiers: Orphanet 63, Orphanet 88919, MedGen C4746745, MONDO:0008762, OMIM 203780.

Submissions (3):

Centre de Génétique Humaine, Institut de Pathologie Et de Génétique
Classification: Likely pathogenic for Hematuria, benign familial, 2. Last evaluated: 2026-02-26. Review status: criteria provided, single submitter. Criteria: ACMG Guidelines, 2015. Collection method: clinical testing. Allele origin: germline. Inheritance: Autosomal dominant inheritance. Affected: yes. Observed: 1 variant allele, 1 heterozygote. Segregation with disease not observed.
Comment: This missense variant involves a highly conserved glycine located in a ‘Gly-X-Y’ motif in collagenous region, which is characteristic of the pathogenic variants identified in the COL4A3 gene (PM1,PP2). This variant is rare: absent in gnomAD v4.1.0 database (PM2); In silico analysis supports that this missense variant has a deleterious effect (PP3). Detected in a patient with Ad Alport S and in patient with digenic form (with pathogenic variant in COL4A4) (PP5)

Labcorp Genetics (formerly Invitae), Labcorp
Classification: Likely pathogenic. Last evaluated: 2021-09-10. Review status: criteria provided, single submitter. Criteria: Invitae Variant Classification Sherloc (09022015). Collection method: clinical testing. Allele origin: germline.
Comment: This sequence change replaces glycine with arginine at codon 689 of the COL4A3 protein (p.Gly689Arg). The glycine residue is highly conserved and there is a moderate physicochemical difference between glycine and arginine. This variant is not present in population databases (ExAC no frequency). This missense change has been observed in individuals with autosomal recessive Alport syndrome and/or clinical features of Alport syndrome (PMID: 24854265, 25575550). ClinVar contains an entry for this variant (Variation ID: 550056). Advanced modeling of protein sequence and biophysical properties (such as structural, functional, and spatial information, amino acid conservation, physicochemical variation, residue mobility, and thermodynamic stability) performed at Invitae indicates that this missense variant is expected to disrupt COL4A3 protein function. Algorithms developed to predict the effect of sequence changes on RNA splicing suggest that this variant may create or strengthen a splice site. In summary, the currently available evidence indicates that the variant is pathogenic, but additional data are needed to prove that conclusively. Therefore, this variant has been classified as Likely Pathogenic.

Counsyl
Classification: Likely pathogenic for Autosomal recessive Alport syndrome. Last evaluated: 2017-10-04. Review status: no assertion criteria provided. Collection method: clinical testing. Allele origin: unknown. Not counted in ClinVar's aggregate classification.

Literature cited by the submitters: PubMed 24854265 (cited by 3 submitters); PubMed 25575550 (cited by 3 submitters).